The following is an entry in ClinVar:

NM_138395.4(MARS2):c.1240A>T (p.Arg414Ter)

Gene: MARS2 (methionyl-tRNA synthetase 2, mitochondrial; plus strand). Cytogenetic location: 2q33.1.
Variant type: single nucleotide variant.
Coding change: c.1240A>T on transcript NM_138395.4 (MANE Select); coding-DNA position 1240, A replaced by T.
Protein change: p.Arg414Ter; replaces arginine 414 with a stop codon.
Molecular consequence: nonsense.
Genome position (GRCh38, 1-based): chr2:197,706,645, A>T. VCF-style: chr2-197706645-A-T. GRCh37 (hg19) VCF-style: chr2-198571369-A-T.
Other names: short protein forms R414*.
Identifiers: ClinVar variation 620396 (VCV000620396.3), dbSNP rs1559379585, ClinGen allele CA350214272.

ClinVar aggregate classification (germline): Uncertain significance (1 of 4 stars; one submission).

Submission:

GeneDx
Classification: Uncertain significance. Last evaluated: 2022-10-31. Review status: criteria provided, single submitter. Criteria: GeneDx Variant Classification Process June 2021. Collection method: clinical testing. Allele origin: germline. Affected: yes.
Comment: Nonsense variant is predicted to result in protein truncation as the last 180 amino acids are lost, although loss-of-function variants have not been reported downstream of this position in the protein; Not observed at significant frequency in large population cohorts (gnomAD); Has not been previously published as pathogenic or benign to our knowledge; This variant is associated with the following publications: (PMID: 31589614)